The following is an entry in ClinVar:

NM_000059.4(BRCA2):c.1765A>C (p.Lys589Gln)

Gene: BRCA2 (BRCA2 DNA repair associated; plus strand). Cytogenetic location: 13q13.1.
Variant type: single nucleotide variant.
Coding change: c.1765A>C on transcript NM_000059.4 (MANE Select); coding-DNA position 1765, A replaced by C.
Protein change: p.Lys589Gln; replaces lysine 589 with glutamine.
Molecular consequence: missense variant.
Genome position (GRCh38, 1-based): chr13:32,333,243, A>C. VCF-style: chr13-32333243-A-C. GRCh37 (hg19) VCF-style: chr13-32907380-A-C.
Other names: short protein forms K589Q.
Identifiers: ClinVar variation 141507 (VCV000141507.19), dbSNP rs587781801, ClinGen allele CA013152.

ClinVar aggregate classification (germline): Conflicting classifications of pathogenicity. Review status: criteria provided, conflicting classifications (1 of 4 stars). 4 submissions from 4 submitters: Uncertain significance (3); Likely benign (1). Last evaluated 2025-03-02.

Conditions:
Hereditary cancer-predisposing syndrome. Also called: Neoplastic Syndromes, Hereditary; Hereditary Cancer Syndrome; Hereditary neoplastic syndrome; Tumor predisposition. Identifiers: Orphanet 140162, MedGen C0027672, MeSH D009386, MONDO:0015356.
Hereditary breast ovarian cancer syndrome. Also called: Hereditary breast and ovarian cancer syndrome; Hereditary breast and/or ovarian cancer syndrome; BRCA1- and BRCA2-Associated Hereditary Breast and Ovarian Cancer; Hereditary breast and ovarian cancer; Breast and ovarian cancer; Hereditary breast and ovarian cancer syndrome (HBOC). Identifiers: Orphanet 145, MedGen C0677776, MeSH D061325, MONDO:0003582. Disease mechanism: loss of function.
Breast-ovarian cancer, familial, susceptibility to, 2 (BROVCA2). Also called: BRCA2 Hereditary Breast and Ovarian Cancer. Identifiers: Orphanet 145, MedGen C2675520, MONDO:0012933, OMIM 612555. Disease mechanism: loss of function.

Allele frequency attached by ClinVar (database versions not stated): TOPMed 0.00001.

Submissions (4):

Labcorp Genetics (formerly Invitae), Labcorp
Classification: Uncertain significance for Hereditary breast ovarian cancer syndrome. Last evaluated: 2025-03-02. Review status: criteria provided, single submitter. Criteria: Invitae Variant Classification Sherloc (09022015). Collection method: clinical testing. Allele origin: germline.
Comment: This sequence change replaces lysine, which is basic and polar, with glutamine, which is neutral and polar, at codon 589 of the BRCA2 protein (p.Lys589Gln). This variant is not present in population databases (gnomAD no frequency). This variant has not been reported in the literature in individuals affected with BRCA2-related conditions. ClinVar contains an entry for this variant (Variation ID: 141507). Invitae Evidence Modeling of protein sequence and biophysical properties (such as structural, functional, and spatial information, amino acid conservation, physicochemical variation, residue mobility, and thermodynamic stability) indicates that this missense variant is not expected to disrupt BRCA2 protein function with a negative predictive value of 95%. In summary, the available evidence is currently insufficient to determine the role of this variant in disease. Therefore, it has been classified as a Variant of Uncertain Significance.

Ambry Genetics
Classification: Uncertain significance for Hereditary cancer-predisposing syndrome. Last evaluated: 2024-11-18. Review status: criteria provided, single submitter. Criteria: Ambry Variant Classification Scheme 2023. Collection method: clinical testing. Allele origin: germline.
Comment: The p.K589Q variant (also known as c.1765A>C), located in coding exon 9 of the BRCA2 gene, results from an A to C substitution at nucleotide position 1765. The lysine at codon 589 is replaced by glutamine, an amino acid with similar properties. This amino acid position is well conserved in available vertebrate species. In addition, this alteration is predicted to be tolerated by in silico analysis. Since supporting evidence is limited at this time, the clinical significance of this alteration remains unclear.

All of Us Research Program, National Institutes of Health
Classification: Uncertain significance for Breast-ovarian cancer, familial, susceptibility to, 2. Last evaluated: 2023-06-08. Review status: criteria provided, single submitter. Criteria: ACMG Guidelines, 2015. Collection method: clinical testing. Allele origin: germline. Inheritance: Autosomal dominant inheritance. Observed: 1 variant allele, 1 heterozygote.
Comment: This missense variant replaces lysine with glutamine at codon 589 of the BRCA2 protein. Computational prediction suggests that this variant may not impact protein structure and function (internally defined REVEL score threshold <= 0.5, PMID: 27666373). To our knowledge, functional studies have not been reported for this variant. This variant has been reported in a multifactorial analysis with co-occurrence and family history likelihood ratios for pathogenicity of 1.025 and 0.653, respectively (PMID: 31131967). This variant has not been identified in the general population by the Genome Aggregation Database (gnomAD). The available evidence is insufficient to determine the role of this variant in disease conclusively. Therefore, this variant is classified as a Variant of Uncertain Significance.

This study involves interpretation of variants in research participants for the purpose of population health screening. Participant phenotype was not available at the time of variant classification. Additional details can be found in publication PMID: 35346344, PMCID: PMC8962531

University of Washington Department of Laboratory Medicine, University of Washington
Classification: Likely benign for Hereditary cancer-predisposing syndrome. Last evaluated: 2023-03-23. Review status: criteria provided, single submitter. Criteria: Dines et al. (Genet Med. 2020). Collection method: curation. Allele origin: germline.
Comment: Missense variant in a coldspot region where missense variants are very unlikely to be pathogenic (PMID:31911673).

BRCA2 exon 10 coldspot. Reclassification based on statistical prior probability.

Literature cited by the submitters: PubMed 26296696 (cited by Ambry Genetics); PubMed 31131967 (cited by All of Us Research Program, National Institutes of Health).